The following is an entry in ClinVar:

NM_004821.3(HAND1):c.6C>A (p.Asn2Lys)

Gene: HAND1 (heart and neural crest derivatives expressed 1; minus strand). Cytogenetic location: 5q33.2.
Variant type: single nucleotide variant.
Coding change: c.6C>A on transcript NM_004821.3 (MANE Select); coding-DNA position 6, C replaced by A.
Protein change: p.Asn2Lys; replaces asparagine 2 with lysine.
Molecular consequence: missense variant.
Genome position (GRCh38, 1-based): chr5:154,478,003, G>T on the plus strand (C>A on the coding strand, the complement: HAND1 is on the minus strand). VCF-style: chr5-154478003-G-T. GRCh37 (hg19) VCF-style: chr5-153857563-G-T.
Other names: short protein forms N2K.
Identifiers: ClinVar variation 2958199 (VCV002958199.3), dbSNP rs760607439, ClinGen allele CA361924779.
Genomic context (GRCh38, chr5:154,478,003, plus strand): 5'-CATGGGGTGCGCAGGGTGCGGGTGGTGATGGTGGTGATGGTGTGCGTAGCTGCCCACGAG[G>T]TTCATGTTGGAGCGGCTACTGGCCTGCGCCGCCAGCCCTATTAACGCCGCTCCATGCGCC-3'
Protein context (NP_004812.1, residues 1-12): M[Asn2Lys]LVGSYAHHHH

ClinVar aggregate classification (germline): Uncertain significance (1 of 4 stars; one submission).

Conditions:
Hypoplastic left heart syndrome. Also called: Hypoplastic left ventricle; Hypoplastic left heart. Identifiers: Orphanet 2248, MedGen C0152101, MONDO:0004933, HP:0004383.

Submission:

Labcorp Genetics (formerly Invitae), Labcorp
Classification: Uncertain significance for Hypoplastic left heart syndrome. Last evaluated: 2023-12-01. Review status: criteria provided, single submitter. Criteria: Invitae Variant Classification Sherloc (09022015). Collection method: clinical testing. Allele origin: germline.
Comment: This sequence change replaces asparagine, which is neutral and polar, with lysine, which is basic and polar, at codon 2 of the HAND1 protein (p.Asn2Lys). This variant is not present in population databases (gnomAD no frequency). This variant has not been reported in the literature in individuals affected with HAND1-related conditions. An algorithm developed to predict the effect of missense changes on protein structure and function (PolyPhen-2) suggests that this variant is likely to be tolerated. In summary, the available evidence is currently insufficient to determine the role of this variant in disease. Therefore, it has been classified as a Variant of Uncertain Significance.